The following is an entry in ClinVar:

ClinVar aggregate classification (germline): Uncertain significance (1 of 4 stars; one submission).

Conditions:
Cardiovascular phenotype. Identifiers: MedGen CN230736.

Submission:

Ambry Genetics
Classification: Uncertain significance for Cardiovascular phenotype. Last evaluated: 2026-08-31. Review status: criteria provided, single submitter. Criteria: Ambry Variant Classification Scheme 2023. Collection method: clinical testing. Allele origin: germline.
Comment: The p.R2076K variant (also known as c.6227G>A), located in coding exon 26 of the AKAP9 gene, results from a G to A substitution at nucleotide position 6227. The arginine at codon 2076 is replaced by lysine, an amino acid with highly similar properties. This amino acid position is conserved. In addition, this alteration is predicted to be tolerated by in silico analysis. Based on the available evidence, the clinical significance of this variant remains unclear.

NM_005751.5(AKAP9):c.6227G>A (p.Arg2076Lys)

Gene: AKAP9 (A-kinase anchoring protein 9; plus strand). Cytogenetic location: 7q21.2.
Variant type: single nucleotide variant.
Coding change: c.6227G>A on transcript NM_005751.5 (MANE Select); coding-DNA position 6227, G replaced by A.
Protein change: p.Arg2076Lys; replaces arginine 2076 with lysine.
Molecular consequence: missense variant.
Genome position (GRCh38, 1-based): chr7:92,066,443, G>A. VCF-style: chr7-92066443-G-A. GRCh37 (hg19) VCF-style: chr7-91695757-G-A.
Other names: c.872G>A, p.Arg291Lys (NM_001379277.1); c.6227G>A, p.Arg2076Lys (NM_147185.3); short protein forms R2076K, R291K.
Identifiers: ClinVar variation 5034225 (VCV005034225.1).